The following is an entry in ClinVar:

NM_024675.4(PALB2):c.2476_2477dup (p.Asn826fs)

Gene: PALB2 (partner and localizer of BRCA2; minus strand). Cytogenetic location: 16p12.2.
Variant type: Duplication.
Coding change: c.2476_2477dup on transcript NM_024675.4 (MANE Select); coding-DNA positions 2476 to 2477, 2 bases duplicated (AA; older notation c.2476_2477dupAA).
Protein change: p.Asn826fs; shifts the reading frame from asparagine 826.
Molecular consequence: frameshift variant.
Genome position (GRCh38, 1-based): chr16:23,629,677-23,629,678, TT duplicated on the plus strand (AA on the coding strand, the reverse complement: PALB2 is on the minus strand); duplicating any 2 consecutive bases within chr16:23,629,677-23,629,679 gives the same sequence; the c. name uses the placement nearest the transcript's 3' end. VCF-style (leftmost placement, unchanged base first): chr16-23629676-G-GTT. GRCh37 (hg19) VCF-style: chr16-23640997-G-GTT.
Other names: c.2415_2416dup, p.Asn806Lysfs (NM_001407296.1); c.2475_2476dup, p.Asn826Lysfs (NM_001407297.1, NM_001407298.1, NM_001407299.1 and 3 more transcripts); c.1590_1591dup, p.Asn531Lysfs (NM_001407304.1, NM_001407305.1, NM_001407306.1 and 5 more transcripts); c.687_688dup, p.Asn230Lysfs (NM_001407312.1, NM_001407313.1); short protein forms N826fs.
Identifiers: ClinVar variation 2034582 (VCV002034582.4), dbSNP rs2506403717, ClinGen allele CA2580091318.

ClinVar aggregate classification (germline): Pathogenic (1 of 4 stars; one submission).

Conditions:
Familial cancer of breast. Also called: BREAST CANCER, FAMILIAL; Hereditary breast cancer; hereditary breast carcinoma. Identifiers: Orphanet 227535, MedGen C0346153, MONDO:0016419, OMIM 114480. Disease mechanism: loss of function.

Submission:

Labcorp Genetics (formerly Invitae), Labcorp
Classification: Pathogenic for Familial cancer of breast. Last evaluated: 2022-11-07. Review status: criteria provided, single submitter. Criteria: Invitae Variant Classification Sherloc (09022015). Collection method: clinical testing. Allele origin: germline.
Comment: For these reasons, this variant has been classified as Pathogenic. This variant has not been reported in the literature in individuals affected with PALB2-related conditions. This variant is not present in population databases (gnomAD no frequency). This sequence change creates a premature translational stop signal (p.Asn826Lysfs*26) in the PALB2 gene. It is expected to result in an absent or disrupted protein product. Loss-of-function variants in PALB2 are known to be pathogenic (PMID: 17200668, 17200671, 17200672, 24136930, 25099575).

Literature cited by the submitters: PubMed 17200668; PubMed 17200671; PubMed 17200672; PubMed 24136930; PubMed 25099575.